The following is an entry in ClinVar:

NM_007327.4(GRIN1):c.168G>C (p.Trp56Cys)

Gene: GRIN1 (glutamate ionotropic receptor NMDA type subunit 1; plus strand). Cytogenetic location: 9q34.3.
Variant type: single nucleotide variant.
Coding change: c.168G>C on transcript NM_007327.4 (MANE Select); coding-DNA position 168, G replaced by C.
Protein change: p.Trp56Cys; replaces tryptophan 56 with cysteine.
Molecular consequence: missense variant.
Genome position (GRCh38, 1-based): chr9:137,139,654, G>C. VCF-style: chr9-137139654-G-C. GRCh37 (hg19) VCF-style: chr9-140034106-G-C.
Other names: c.168G>C, p.Trp56Cys (NM_000832.7, NM_001185090.2, NM_001185091.2 and 1 more transcripts); short protein forms W56C.
Identifiers: ClinVar variation 3102461 (VCV003102461.2), dbSNP rs2538508211, ClinGen allele CA375713288.

ClinVar aggregate classification (germline): Uncertain significance (1 of 4 stars; one submission).

Conditions:
Inborn genetic diseases. Identifiers: MedGen C0950123, MeSH D030342.

Submission:

Ambry Genetics
Classification: Uncertain significance for Inborn genetic diseases. Last evaluated: 2024-04-05. Review status: criteria provided, single submitter. Criteria: Ambry Variant Classification Scheme 2023. Collection method: clinical testing. Allele origin: germline.
Comment: The c.168G>C (p.W56C) alteration is located in exon 1 (coding exon 1) of the GRIN1 gene. This alteration results from a G to C substitution at nucleotide position 168, causing the tryptophan (W) at amino acid position 56 to be replaced by a cysteine (C). This variant was not reported in population-based cohorts in the Genome Aggregation Database (gnomAD). This amino acid position is well conserved in available vertebrate species. This missense alteration is located in a region that has a low rate of benign missense variation (Lek, 2016; Firth, 2009). This alteration is predicted to be tolerated by in silico analysis. Based on insufficient or conflicting evidence, the clinical significance of this alteration remains unclear.